The following is an entry in ClinVar:

ClinVar aggregate classification (germline): Uncertain significance (1 of 4 stars; one submission).

Submission:

Ambry Genetics
Classification: Uncertain significance. Last evaluated: 2025-06-07. Review status: criteria provided, single submitter. Criteria: Ambry Variant Classification Scheme 2023. Collection method: clinical testing. Allele origin: germline.
Comment: The p.F393C variant (also known as c.1178T>G), located in coding exon 6 of the GFI1 gene, results from a T to G substitution at nucleotide position 1178. The phenylalanine at codon 393 is replaced by cysteine, an amino acid with highly dissimilar properties. This amino acid position is conserved. In addition, this alteration is predicted to be tolerated by in silico analysis. Based on the available evidence, the clinical significance of this variant remains unclear.

NM_005263.5(GFI1):c.1178T>G (p.Phe393Cys)

Genes: GFI1 (growth factor independent 1 transcriptional repressor; minus strand), LOC129930930 (ATAC-STARR-seq lymphoblastoid active region 1314; plus strand). Cytogenetic location: 1p22.1.
Variant type: single nucleotide variant.
Coding change: c.1178T>G on transcript NM_005263.5 (MANE Select); coding-DNA position 1178, T replaced by G.
Protein change: p.Phe393Cys; replaces phenylalanine 393 with cysteine.
Molecular consequence: missense variant.
Genome position (GRCh38, 1-based): chr1:92,476,120, A>C on the plus strand (T>G on the coding strand, the complement: GFI1 is on the minus strand). VCF-style: chr1-92476120-A-C. GRCh37 (hg19) VCF-style: chr1-92941677-A-C.
Other names: c.1178T>G, p.Phe393Cys (NM_001127215.3, NM_001127216.3); short protein forms F393C.
Identifiers: ClinVar variation 4029447 (VCV004029447.1).